The following is an entry in ClinVar:

ClinVar aggregate classification (germline): Uncertain significance (1 of 4 stars; one submission).

Conditions:
Brachyolmia-amelogenesis imperfecta syndrome. Also called: PLATYSPONDYLY WITH AMELOGENESIS IMPERFECTA; Tooth agenesis, selective, 6; Dental anomalies and short stature. Identifiers: Orphanet 2899, MedGen C1832594, MONDO:0011018, OMIM 601216. Disease mechanism: loss of function.

Submission:

Labcorp Genetics (formerly Invitae), Labcorp
Classification: Uncertain significance for Brachyolmia-amelogenesis imperfecta syndrome. Last evaluated: 2024-11-19. Review status: criteria provided, single submitter. Criteria: Invitae Variant Classification Sherloc (09022015). Collection method: clinical testing. Allele origin: germline.
Comment: This sequence change replaces proline, which is neutral and non-polar, with leucine, which is neutral and non-polar, at codon 293 of the LTBP3 protein (p.Pro293Leu). This variant is not present in population databases (gnomAD no frequency). This variant has not been reported in the literature in individuals affected with LTBP3-related conditions. An algorithm developed to predict the effect of missense changes on protein structure and function (PolyPhen-2) suggests that this variant is likely to be disruptive. In summary, the available evidence is currently insufficient to determine the role of this variant in disease. Therefore, it has been classified as a Variant of Uncertain Significance.

NM_001130144.3(LTBP3):c.878C>T (p.Pro293Leu)

Gene: LTBP3 (latent transforming growth factor beta binding protein 3; minus strand). Cytogenetic location: 11q13.1.
Variant type: single nucleotide variant.
Coding change: c.878C>T on transcript NM_001130144.3 (MANE Select); coding-DNA position 878, C replaced by T.
Protein change: p.Pro293Leu; replaces proline 293 with leucine.
Molecular consequence: missense variant.
Genome position (GRCh38, 1-based): chr11:65,553,517, G>A on the plus strand (C>T on the coding strand, the complement: LTBP3 is on the minus strand). VCF-style: chr11-65553517-G-A. GRCh37 (hg19) VCF-style: chr11-65320988-G-A.
Other names: c.527C>T, p.Pro176Leu (NM_001164266.1); c.878C>T, p.Pro293Leu (NM_021070.4); short protein forms P176L, P293L.
Identifiers: ClinVar variation 3725603 (VCV003725603.2).